The following is an entry in ClinVar:

NM_020800.3(IFT80):c.1198G>T (p.Glu400Ter)

Genes: IFT80 (intraflagellar transport 80; minus strand), TRIM59-IFT80 (TRIM59-IFT80 readthrough (NMD candidate); minus strand). Cytogenetic location: 3q25.33.
Variant type: single nucleotide variant.
Coding change: c.1198G>T on transcript NM_020800.3 (MANE Select); coding-DNA position 1198, G replaced by T.
Protein change: p.Glu400Ter; replaces glutamic acid 400 with a stop codon.
Molecular consequence: nonsense. On other transcripts: non-coding transcript variant (3).
Genome position (GRCh38, 1-based): chr3:160,301,000, C>A on the plus strand (G>T on the coding strand, the complement: IFT80 is on the minus strand). VCF-style: chr3-160301000-C-A. GRCh37 (hg19) VCF-style: chr3-160018788-C-A.
Other names: c.787G>T, p.Glu263Ter (NM_001190241.2, NM_001190242.2); short protein forms E263*, E400*.
Identifiers: ClinVar variation 4531879 (VCV004531879.1).

ClinVar aggregate classification (germline): Pathogenic (1 of 4 stars; one submission).

Conditions:
Asphyxiating thoracic dystrophy 2 (SRTD2). Also called: SHORT-RIB THORACIC DYSPLASIA 2 WITH OR WITHOUT POLYDACTYLY; SHORT-RIB THORACIC DYSPLASIA 2 WITH POLYDACTYLY; SHORT-RIB THORACIC DYSPLASIA 2 WITHOUT POLYDACTYLY. Identifiers: Orphanet 474, MedGen C1970005, MONDO:0012644, OMIM 611263.

Submission:

Victorian Clinical Genetics Services, Murdoch Childrens Research Institute
Classification: Pathogenic for Asphyxiating thoracic dystrophy 2. Last evaluated: 2025-09-11. Review status: criteria provided, single submitter. Criteria: ACMG Guidelines, 2015. Collection method: clinical testing. Allele origin: germline. Affected: yes.
Comment: This variant is classified as Pathogenic. Evidence in support of pathogenic classification: Variant is predicted to cause nonsense-mediated decay (NMD) and loss of protein (premature termination codon is located at least 54 nucleotides upstream of the final exon-exon junction); Variant is absent from gnomAD (v2, v3 and v4); Other NMD-predicted variant(s) comparable to the one identified in this case have very strong previous evidence for pathogenicity (DECIPHER). Additional information: This variant is heterozygous; This gene is associated with autosomal recessive disease; This variant has no previous evidence of pathogenicity; No published evidence of segregation with disease has been identified for this variant; No published functional evidence has been identified for this variant; Loss of function is a known mechanism of disease in this gene and is associated with autosomal recessive asphyxiating thoracic dystrophy 2 (MONDO:0012644).